The following is an entry in ClinVar:

ClinVar aggregate classification (germline): Benign. Review status: criteria provided, multiple submitters, no conflicts (2 of 4 stars). 5 submissions from 5 submitters: Benign (5). Last evaluated 2026-01-27.

Conditions:
Hereditary spastic paraplegia 8 (SPG8). Also called: SPASTIC PARAPLEGIA 8, AUTOSOMAL DOMINANT. Identifiers: Orphanet 100989, MedGen C1863704, MONDO:0011339, OMIM 603563.
Ritscher-Schinzel syndrome. Also called: CRANIOCEREBELLOCARDIAC DYSPLASIA. Identifiers: Orphanet 7, MedGen C0796137, MONDO:0019078.

Allele frequency attached by ClinVar (database versions not stated): gnomAD exomes 0.04032 and 0.06520; ExAC 0.07333; gnomAD 0.11243 and 0.11313; ESP Exome Variant Server 0.11771; TOPMed 0.11846; 1000 Genomes Project 0.15915; 1000 Genomes Project 30x 0.16115.
gnomAD v4.1: 76,302 of 1,599,188 alleles (4.8%); highest among the groups gnomAD compares: African/African-American, 32%; 5,764 homozygotes.

Submissions (5):

Labcorp Genetics (formerly Invitae), Labcorp
Classification: Benign for Ritscher-Schinzel syndrome; Hereditary spastic paraplegia 8. Last evaluated: 2026-01-27. Review status: criteria provided, single submitter. Criteria: Invitae Variant Classification Sherloc (09022015). Collection method: clinical testing. Allele origin: germline.

Blueprint Genetics
Classification: Benign. Last evaluated: 2024-11-27. Review status: criteria provided, single submitter. Criteria: ACMG Guidelines, 2015. Collection method: clinical testing. Allele origin: germline.

Illumina Laboratory Services, Illumina
Classification: Benign for Hereditary spastic paraplegia 8. Last evaluated: 2018-01-13. Review status: criteria provided, single submitter. Criteria: ICSL Variant Classification Criteria 13 December 2019. Collection method: clinical testing. Allele origin: germline.
Comment: This variant was observed in the ICSL laboratory as part of a predisposition screen in an ostensibly healthy population. It had not been previously curated by ICSL or reported in the Human Gene Mutation Database (HGMD: prior to June 1st, 2018), and was therefore a candidate for classification through an automated scoring system. Utilizing variant allele frequency, disease prevalence and penetrance estimates, and inheritance mode, an automated score was calculated to assess if this variant is too frequent to cause the disease. Based on the score and internal cut-off values, a variant classified as benign is not then subjected to further curation. The score for this variant resulted in a classification of benign for this disease.

GeneDx
Classification: Benign. Last evaluated: 2016-03-29. Review status: criteria provided, single submitter. Criteria: GeneDx Variant Classification (06012015). Collection method: clinical testing. Allele origin: germline. Affected: yes.
Comment: This variant is considered likely benign or benign based on one or more of the following criteria: it is a conservative change, it occurs at a poorly conserved position in the protein, it is predicted to be benign by multiple in silico algorithms, and/or has population frequency not consistent with disease.

Breakthrough Genomics
Classification: Benign. Review status: criteria provided, single submitter. Criteria: ACMG Guidelines, 2015. Collection method: not provided. Allele origin: germline. Inheritance: Autosomal recessive inheritance. Affected: yes.

NM_014846.4(WASHC5):c.1764+12A>G

Gene: WASHC5 (WASH complex subunit 5; minus strand). Cytogenetic location: 8q24.13.
Variant type: single nucleotide variant.
Coding change: c.1764+12A>G on transcript NM_014846.4 (MANE Select); 12 bases into the intron after coding-DNA position 1764, A replaced by G.
Molecular consequence: intron variant.
Genome position (GRCh38, 1-based): chr8:125,059,210, T>C on the plus strand (A>G on the coding strand, the complement: WASHC5 is on the minus strand). VCF-style: chr8-125059210-T-C. GRCh37 (hg19) VCF-style: chr8-126071452-T-C.
Other names: c.1320+12A>G (NM_001330609.2).
Identifiers: ClinVar variation 361721 (VCV000361721.14), dbSNP rs3765213, ClinGen allele CA4873736.